The following is an entry in ClinVar:

NM_001165963.4(SCN1A):c.5782C>G (p.Arg1928Gly)

Genes: SCN1A (sodium voltage-gated channel alpha subunit 1; minus strand), LOC102724058 (uncharacterized LOC102724058; plus strand). Cytogenetic location: 2q24.3.
Variant type: single nucleotide variant.
Coding change: c.5782C>G on transcript NM_001165963.4 (MANE Select); coding-DNA position 5782, C replaced by G.
Protein change: p.Arg1928Gly; replaces arginine 1928 with glycine.
Molecular consequence: missense variant. On other transcripts: non-coding transcript variant (1).
Genome position (GRCh38, 1-based): chr2:165,991,493, G>C on the plus strand (C>G on the coding strand, the complement: SCN1A is on the minus strand). VCF-style: chr2-165991493-G-C. GRCh37 (hg19) VCF-style: chr2-166848003-G-C.
Other names: p.R1928G:CGC>GGC; c.5698C>G, p.Arg1900Gly (NM_001165964.3, NM_001353957.2, NM_001353958.2); c.5782C>G, p.Arg1928Gly (NM_001202435.3, NM_001353948.2); c.5749C>G, p.Arg1917Gly (NM_001353949.2, NM_001353950.2, NM_001353951.2 and 2 more transcripts); c.5746C>G, p.Arg1916Gly (NM_001353954.2, NM_001353955.2); c.5695C>G, p.Arg1899Gly (NM_001353960.2); c.3340C>G, p.Arg1114Gly (NM_001353961.2); c.5782C>G (NM_001165963.3); short protein forms R1917G, R1928G, R1900G, R1916G, R1114G, R1899G.
Identifiers: ClinVar variation 68574 (VCV000068574.69), dbSNP rs121917956, ClinGen allele CA219773.
Genomic context (GRCh38, chr2:165,991,493, plus strand): 5'-TGATTTTGTTTTTATTGTACGTAAAGGAAGCTTGTTTTACAGTTCGCTTTAAAAGGTGGC[G>C]TCTGTAAGCACGCTGAATAATGACAGCAGATACTTCCTCTTGTTTTCGTTTTAAAGTAGT-3'
Protein context (NP_001159435.1, residues 1918-1938): SAVIIQRAYR[Arg1928Gly]HLLKRTVKQA

ClinVar aggregate classification (germline): Benign/Likely benign. Review status: criteria provided, multiple submitters, no conflicts (2 of 4 stars). 15 submissions from 14 submitters: Benign (6); Likely benign (8). 1 of the submissions does not count toward it. Last evaluated 2026-09-01.

Conditions:
Inborn genetic diseases. Identifiers: MedGen C0950123, MeSH D030342.
Early-infantile DEE. Also called: Early infantile epileptic encephalopathy with suppression bursts; Ohtahara syndrome; Early infantile epileptic encephalopathy. Identifiers: Orphanet 1934, MedGen C0393706, MONDO:0800491.
Generalized epilepsy with febrile seizures plus, type 2 (GEFSP2). Also called: GEFS+, TYPE 2. Identifiers: Orphanet 36387, MedGen C1858673, MONDO:0011461, OMIM 604403.
Migraine, familial hemiplegic, 3. Identifiers: Orphanet 569, MedGen C1864987, MONDO:0012320, OMIM 609634.
Severe myoclonic epilepsy in infancy (DRVT). Also called: DEVELOPMENTAL AND EPILEPTIC ENCEPHALOPATHY 6A; Severe Myoclonic Epilepsy in Infancy (SMEI); Dravet syndrome; SEVERE MYOCLONIC EPILEPSY OF INFANCY; Epileptic encephalopathy, early infantile, 6 (Dravet syndrome). Identifiers: Orphanet 33069, MedGen C0751122, MONDO:0100135, OMIM 607208.

Allele frequency attached by ClinVar (database versions not stated): ESP Exome Variant Server 0.00146; 1000 Genomes Project 0.00180; TOPMed 0.00145; gnomAD 0.00073; 1000 Genomes Project 30x 0.00219.
gnomAD v4.1: 2,468 of 1,613,854 alleles (0.15%); highest among the groups gnomAD compares: Admixed American, 0.43%; 4 homozygotes.

Submissions (25):

CeGaT Center for Human Genetics Tuebingen
Classification: Benign. Last evaluated: 2026-09-01. Review status: criteria provided, single submitter. Criteria: CeGaT Center For Human Genetics Tuebingen Variant Classification Criteria Version 2. Collection method: clinical testing. Allele origin: germline. Affected: yes. Observed: 18 variant alleles.
Comment: SCN1A: BS1, BS2

Labcorp Genetics (formerly Invitae), Labcorp
Classification: Benign for Early-infantile DEE. Last evaluated: 2026-02-03. Review status: criteria provided, single submitter. Criteria: Invitae Variant Classification Sherloc (09022015). Collection method: clinical testing. Allele origin: germline.

ARUP Laboratories, Molecular Genetics and Genomics, ARUP Laboratories
Classification: Benign. Last evaluated: 2025-03-31. Review status: criteria provided, single submitter. Criteria: ARUP Molecular Germline Variant Investigation Process 2024. Collection method: clinical testing. Allele origin: germline.

Blueprint Genetics
Classification: Likely benign. Last evaluated: 2024-11-08. Review status: criteria provided, single submitter. Criteria: ACMG Guidelines, 2015. Collection method: clinical testing. Allele origin: germline.

Athena Diagnostics
Classification: Benign. Last evaluated: 2024-09-16. Review status: criteria provided, single submitter. Criteria: Athena Diagnostics Criteria. Collection method: clinical testing. Allele origin: unknown.

GeneDx
Classification: Likely benign. Last evaluated: 2021-05-05. Review status: criteria provided, single submitter. Criteria: GeneDx Variant Classification Process June 2021. Collection method: clinical testing. Allele origin: germline. Affected: yes.
Comment: This variant is associated with the following publications: (PMID: 18413471, 26990884, 21713554, 28202706, 18056581, 18930999, 11254444, 31780880, 33108073)

Mayo Clinic Laboratories, Mayo Clinic
Classification: Benign. Last evaluated: 2020-07-14. Review status: criteria provided, single submitter. Criteria: ACMG Guidelines, 2015. Collection method: clinical testing. Allele origin: germline. Observed: 4 variant alleles.

Mendelics
Classification: Benign for Severe myoclonic epilepsy in infancy. Last evaluated: 2019-05-28. Review status: criteria provided, single submitter. Criteria: Mendelics Assertion Criteria 2017. Collection method: clinical testing. Allele origin: unknown.

Ambry Genetics
Classification: Likely benign for Inborn genetic diseases. Last evaluated: 2018-03-05. Review status: criteria provided, single submitter. Criteria: Ambry Variant Classification Scheme 2023. Collection method: clinical testing. Allele origin: germline.

Illumina Laboratory Services, Illumina
Classification: Likely benign for Migraine, familial hemiplegic, 3. Last evaluated: 2017-04-27. Review status: criteria provided, single submitter. Criteria: ICSL Variant Classification Criteria 13 December 2019. Collection method: clinical testing. Allele origin: germline.
Comment: This variant was observed as part of a predisposition screen in an ostensibly healthy population. A literature search was performed for the gene, cDNA change, and amino acid change (where applicable). No publications were found based on this search. Allele frequency data from public databases allowed determination this variant is unlikely to cause disease. Therefore, this variant is classified as likely benign.

Illumina Laboratory Services, Illumina
Classification: Likely benign for Generalized epilepsy with febrile seizures plus, type 2. Last evaluated: 2017-04-27. Review status: criteria provided, single submitter. Criteria: ICSL Variant Classification Criteria 13 December 2019. Collection method: clinical testing. Allele origin: germline.
Comment: the same text as in the submission from Illumina Laboratory Services, Illumina above.

Eurofins Ntd Llc (ga)
Classification: Likely benign. Last evaluated: 2017-04-05. Review status: criteria provided, single submitter. Criteria: EGL Classification Definitions 2015. Collection method: clinical testing. Allele origin: germline. Observed: 6 variant alleles, 6 heterozygotes.

Center for Pediatric Genomic Medicine, Children's Mercy Hospital and Clinics
Classification: Likely benign. Last evaluated: 2016-09-14. Review status: criteria provided, single submitter. Criteria: ACMG Guidelines, 2015. Collection method: clinical testing. Allele origin: germline.
ClinVar note: Converted during submission from Likely Benign to Likely benign.

PreventionGenetics, part of Exact Sciences
Classification: Likely benign. Last evaluated: 2016-02-21. Review status: criteria provided, single submitter. Criteria: ACMG Guidelines, 2015. Collection method: clinical testing. Allele origin: germline.

Channelopathy-Associated Epilepsy Research Center
No classification provided (evidence only). Review status: no classification provided. Collection method: in vitro. Allele origin: not applicable. Functional consequence: Normal peak current. Not counted in ClinVar's aggregate classification.

Channelopathy-Associated Epilepsy Research Center
No classification provided (evidence only). Review status: no classification provided. Collection method: in vitro. Allele origin: not applicable. Functional consequence: Normal voltage dependence of activation. Not counted in ClinVar's aggregate classification.

Channelopathy-Associated Epilepsy Research Center
No classification provided (evidence only). Review status: no classification provided. Collection method: in vitro. Allele origin: not applicable. Functional consequence: Normal slope of activation. Not counted in ClinVar's aggregate classification.

Channelopathy-Associated Epilepsy Research Center
No classification provided (evidence only). Review status: no classification provided. Collection method: in vitro. Allele origin: not applicable. Functional consequence: Normal voltage dependence of fast inactivation. Not counted in ClinVar's aggregate classification.

Channelopathy-Associated Epilepsy Research Center
No classification provided (evidence only). Review status: no classification provided. Collection method: in vitro. Allele origin: not applicable. Functional consequence: Normal slope of fast inactivation. Not counted in ClinVar's aggregate classification.

Channelopathy-Associated Epilepsy Research Center
No classification provided (evidence only). Review status: no classification provided. Collection method: in vitro. Allele origin: not applicable. Functional consequence: Normal rate of recovery from fast inactivation. Not counted in ClinVar's aggregate classification.

Channelopathy-Associated Epilepsy Research Center
No classification provided (evidence only). Review status: no classification provided. Collection method: in vitro. Allele origin: not applicable. Functional consequence: Normal current amplitude in use dependence. Not counted in ClinVar's aggregate classification.

Channelopathy-Associated Epilepsy Research Center
No classification provided (evidence only). Review status: no classification provided. Collection method: in vitro. Allele origin: not applicable. Functional consequence: Normal fast inactivation. Not counted in ClinVar's aggregate classification.

Channelopathy-Associated Epilepsy Research Center
No classification provided (evidence only). Review status: no classification provided. Collection method: in vitro. Allele origin: not applicable. Functional consequence: Normal ramp current. Not counted in ClinVar's aggregate classification.

Channelopathy-Associated Epilepsy Research Center
No classification provided (evidence only). Review status: no classification provided. Collection method: in vitro. Allele origin: not applicable. Functional consequence: Normal persistent current. Not counted in ClinVar's aggregate classification.

UniProtKB/Swiss-Prot
No classification provided. Review status: no classification provided. Collection method: not provided. Allele origin: unknown. Not counted in ClinVar's aggregate classification.

Literature cited by the submitters: PubMed 26990884 (cited by Athena Diagnostics); PubMed 11254444 (cited by Athena Diagnostics and Eurofins Ntd Llc (ga)); PubMed 18056581 (cited by Athena Diagnostics and Eurofins Ntd Llc (ga)); PubMed 18413471 (cited by Athena Diagnostics and Eurofins Ntd Llc (ga)); PubMed 18930999 (cited by Athena Diagnostics and Eurofins Ntd Llc (ga)); PubMed 21713554 (cited by Athena Diagnostics and Eurofins Ntd Llc (ga)).